The following is an entry in ClinVar:

ClinVar aggregate classification (germline): Uncertain significance. Review status: criteria provided, multiple submitters, no conflicts (2 of 4 stars). 6 submissions from 6 submitters: Uncertain significance (6). Last evaluated 2023-06-17.

Conditions:
Cardiovascular phenotype. Identifiers: MedGen CN230736.
Dilated cardiomyopathy 1EE (CMD1EE). Identifiers: Orphanet 154, MedGen C2750466, MONDO:0013198, OMIM 613252.
Hypertrophic cardiomyopathy 14. Identifiers: MedGen C2750467, MONDO:0013197, OMIM 613251.

Allele frequency attached by ClinVar (database versions not stated): TOPMed below 0.00001; gnomAD exomes 0.00001.
gnomAD v4.1: 7 of 1,598,566 alleles (0.00044%); highest among the groups gnomAD compares: Middle Eastern, 0.017%; no homozygotes.

Submissions (6):

Labcorp Genetics (formerly Invitae), Labcorp
Classification: Uncertain significance for Hypertrophic cardiomyopathy 14. Last evaluated: 2023-06-17. Review status: criteria provided, single submitter. Criteria: Invitae Variant Classification Sherloc (09022015). Collection method: clinical testing. Allele origin: germline.
Comment: In summary, the available evidence is currently insufficient to determine the role of this variant in disease. Therefore, it has been classified as a Variant of Uncertain Significance. Advanced modeling of protein sequence and biophysical properties (such as structural, functional, and spatial information, amino acid conservation, physicochemical variation, residue mobility, and thermodynamic stability) performed at Invitae indicates that this missense variant is not expected to disrupt MYH6 protein function. ClinVar contains an entry for this variant (Variation ID: 228892). This missense change has been observed in individual(s) with dilated cardiomyopathy (PMID: 32746448). This variant is not present in population databases (gnomAD no frequency). This sequence change replaces alanine, which is neutral and non-polar, with valine, which is neutral and non-polar, at codon 1332 of the MYH6 protein (p.Ala1332Val).

Provincial Medical Genetics Program of British Columbia, University of British Columbia
Classification: Uncertain significance for Dilated cardiomyopathy 1EE. Last evaluated: 2022-01-01. Review status: criteria provided, single submitter. Criteria: ACMG Guidelines, 2015. Collection method: clinical testing. Allele origin: maternal. Affected: yes.

Ambry Genetics
Classification: Uncertain significance for Cardiovascular phenotype. Last evaluated: 2021-06-25. Review status: criteria provided, single submitter. Criteria: Ambry Variant Classification Scheme 2023. Collection method: clinical testing. Allele origin: germline.
Comment: The p.A1332V variant (also known as c.3995C>T), located in coding exon 27 of the MYH6 gene, results from a C to T substitution at nucleotide position 3995. The alanine at codon 1332 is replaced by valine, an amino acid with similar properties. This amino acid position is conserved. In addition, the in silico prediction for this alteration is inconclusive. Since supporting evidence is limited at this time, the clinical significance of this alteration remains unclear.

GeneDx
Classification: Uncertain significance. Last evaluated: 2020-09-15. Review status: criteria provided, single submitter. Criteria: GeneDx Variant Classification Process June 2021. Collection method: clinical testing. Allele origin: germline. Affected: yes.
Comment: Not observed in large population cohorts (Lek et al., 2016); In silico analysis supports that this missense variant has a deleterious effect on protein structure/function; Has not been previously published as pathogenic or benign to our knowledge

Laboratory for Molecular Medicine, Mass General Brigham Personalized Medicine
Classification: Uncertain significance. Last evaluated: 2015-06-24. Review status: criteria provided, single submitter. Criteria: LMM Criteria. Collection method: clinical testing. Allele origin: germline. Observed: 1 variant allele.
Comment: The p.Ala1332Val variant in MYH6 has not been previously reported in individuals with cardiomyopathy or in large population studies. Computational prediction to ols and conservation analysis suggest that the p.Ala1332Val variant may impact t he protein, though this information is not predictive enough to determine pathog enicity. In summary, the clinical significance of the p.Ala1332Val variant is un certain.

Breakthrough Genomics
Classification: Uncertain significance. Review status: criteria provided, single submitter. Criteria: ACMG Guidelines, 2015. Collection method: not provided. Allele origin: germline. Inheritance: Autosomal dominant inheritance. Affected: yes.

Literature cited by the submitters: PubMed 32746448 (cited by Labcorp Genetics (formerly Invitae), Labcorp).

NM_002471.4(MYH6):c.3995C>T (p.Ala1332Val)

Gene: MYH6 (myosin heavy chain 6; minus strand). Cytogenetic location: 14q11.2.
Variant type: single nucleotide variant.
Coding change: c.3995C>T on transcript NM_002471.4 (MANE Select); coding-DNA position 3995, C replaced by T.
Protein change: p.Ala1332Val; replaces alanine 1332 with valine.
Molecular consequence: missense variant.
Genome position (GRCh38, 1-based): chr14:23,389,039, G>A on the plus strand (C>T on the coding strand, the complement: MYH6 is on the minus strand). VCF-style: chr14-23389039-G-A. GRCh37 (hg19) VCF-style: chr14-23858248-G-A.
Other names: short protein forms A1332V.
Identifiers: ClinVar variation 228892 (VCV000228892.18), dbSNP rs876657876, ClinGen allele CA10576945.